The following is an entry in ClinVar:

NM_006389.5(HYOU1):c.518T>G (p.Val173Gly)

Gene: HYOU1 (hypoxia up-regulated 1; minus strand). Cytogenetic location: 11q23.3.
Variant type: single nucleotide variant.
Coding change: c.518T>G on transcript NM_006389.5 (MANE Select); coding-DNA position 518, T replaced by G.
Protein change: p.Val173Gly; replaces valine 173 with glycine.
Molecular consequence: missense variant.
Genome position (GRCh38, 1-based): chr11:119,054,654, A>C on the plus strand (T>G on the coding strand, the complement: HYOU1 is on the minus strand). VCF-style: chr11-119054654-A-C. GRCh37 (hg19) VCF-style: chr11-118925366-A-C.
Other names: c.518T>G, p.Val173Gly (NM_001130991.3, NM_001411041.1); short protein forms V173G.
Identifiers: ClinVar variation 4692784 (VCV004692784.1).
Genomic context (GRCh38, chr11:119,054,654, plus strand): 5'-CGAGCAGCCTGCAGCACAGCTCGGCGCTCGGCCTGGTTGAAGAAGACTGGCACGGTGATC[A>C]CTGCATCCTTGATGGGCTGCTCTACAGATGACAACAGAAAAGGGTCCCGCCGGCTCCATA-3'
Protein context (NP_006380.1, residues 163-183): DFAEQPIKDA[Val173Gly]ITVPVFFNQA

ClinVar aggregate classification (germline): Uncertain significance (1 of 4 stars; one submission).

Submission:

Labcorp Genetics (formerly Invitae), Labcorp
Classification: Uncertain significance. Last evaluated: 2025-10-23. Review status: criteria provided, single submitter. Criteria: Invitae Variant Classification Sherloc (09022015). Collection method: clinical testing. Allele origin: germline.
Comment: This sequence change replaces valine, which is neutral and non-polar, with glycine, which is neutral and non-polar, at codon 173 of the HYOU1 protein (p.Val173Gly). This variant is present in population databases (rs202026109, gnomAD 0.01%). This variant has not been reported in the literature in individuals affected with HYOU1-related conditions. An algorithm developed to predict the effect of missense changes on protein structure and function (PolyPhen-2) suggests that this variant is likely to be disruptive. In summary, the available evidence is currently insufficient to determine the role of this variant in disease. Therefore, it has been classified as a Variant of Uncertain Significance.